The following is an entry in ClinVar:

ClinVar aggregate classification (germline): Likely benign. Review status: criteria provided, multiple submitters, no conflicts (2 of 4 stars). 4 submissions from 4 submitters: Likely benign (2). 2 of the submissions do not count toward it. Last evaluated 2025-03-01.

Conditions:
TCIRG1-related disorder. Also called: TCIRG1-related condition.
Autosomal recessive osteopetrosis 1. Also called: TCIRG1-Related Autosomal Recessive Osteopetrosis; ALBERS-SCHONBERG DISEASE, AUTOSOMAL RECESSIVE; TCIRG1-Related Osteopetrosis. Identifiers: Orphanet 667, MedGen C1850127, MONDO:0009815, OMIM 259700.

Allele frequency attached by ClinVar (database versions not stated): gnomAD 0.00001; gnomAD exomes 0.00001 and 0.00004; TOPMed 0.00001; ExAC 0.00002.
gnomAD v4.1: 64 of 1,612,844 alleles (0.004%); highest among the groups gnomAD compares: Non-Finnish European, 0.0047%; no homozygotes.

Submissions (4):

CeGaT Center for Human Genetics Tuebingen
Classification: Likely benign. Last evaluated: 2025-03-01. Review status: criteria provided, single submitter. Criteria: CeGaT Center For Human Genetics Tuebingen Variant Classification Criteria Version 2. Collection method: clinical testing. Allele origin: germline. Affected: yes. Observed: 2 variant alleles.
Comment: TCIRG1: BP4, BP7

Labcorp Genetics (formerly Invitae), Labcorp
Classification: Likely benign. Last evaluated: 2024-09-21. Review status: criteria provided, single submitter. Criteria: Invitae Variant Classification Sherloc (09022015). Collection method: clinical testing. Allele origin: germline.

PreventionGenetics, part of Exact Sciences
Classification: Likely benign for TCIRG1-related condition. Last evaluated: 2021-07-21. Review status: no assertion criteria provided. Collection method: clinical testing. Allele origin: germline. Not counted in ClinVar's aggregate classification.
Comment: This variant is classified as likely benign based on ACMG/AMP sequence variant interpretation guidelines (Richards et al. 2015 PMID: 25741868, with internal and published modifications).

Natera, Inc.
Classification: Uncertain significance for Infantile malignant osteopetrosis. Last evaluated: 2020-01-24. Review status: no assertion criteria provided. Collection method: clinical testing. Allele origin: germline. Not counted in ClinVar's aggregate classification.

NM_006019.4(TCIRG1):c.2049C>T (p.Asp683=)

Gene: TCIRG1 (T cell immune regulator 1, ATPase H+ transporting V0 subunit a3; plus strand). Cytogenetic location: 11q13.2.
Variant type: single nucleotide variant.
Coding change: c.2049C>T on transcript NM_006019.4 (MANE Select); coding-DNA position 2049, C replaced by T.
Protein change: p.Asp683=; no amino-acid change (aspartic acid 683 retained).
Molecular consequence: synonymous variant.
Genome position (GRCh38, 1-based): chr11:68,049,997, C>T. VCF-style: chr11-68049997-C-T. GRCh37 (hg19) VCF-style: chr11-67817464-C-T.
Other names: c.1155C>T, p.Asp385= (NM_001351059.2); c.1401C>T, p.Asp467= (NM_006053.4).
Identifiers: ClinVar variation 761735 (VCV000761735.36), dbSNP rs780969471, ClinGen allele CA6147374.